The following is an entry in ClinVar:

ClinVar aggregate classification (germline): Benign/Likely benign. Review status: criteria provided, multiple submitters, no conflicts (2 of 4 stars). 4 submissions from 4 submitters: Benign (1); Likely benign (3). Last evaluated 2026-01-30.

Conditions:
FLNB-related disorder. Also called: FLNB-related condition; FLNB-related disorders. Identifiers: MedGen CN381095.

Allele frequency attached by ClinVar (database versions not stated): TOPMed 0.00023; 1000 Genomes Project 30x 0.00031; ESP Exome Variant Server 0.00038; 1000 Genomes Project 0.00040; ExAC 0.00041; gnomAD 0.00042 and 0.00043; gnomAD exomes 0.00045 and 0.00059.
gnomAD v4.1: 715 of 1,614,206 alleles (0.044%); highest among the groups gnomAD compares: Non-Finnish European, 0.04%; 1 homozygote.

Submissions (4):

Labcorp Genetics (formerly Invitae), Labcorp
Classification: Benign. Last evaluated: 2026-01-30. Review status: criteria provided, single submitter. Criteria: Invitae Variant Classification Sherloc (09022015). Collection method: clinical testing. Allele origin: germline.

Blueprint Genetics
Classification: Likely benign. Last evaluated: 2024-11-18. Review status: criteria provided, single submitter. Criteria: ACMG Guidelines, 2015. Collection method: clinical testing. Allele origin: germline.

PreventionGenetics, part of Exact Sciences
Classification: Likely benign for FLNB-related condition. Last evaluated: 2024-10-09. Review status: criteria provided, single submitter. Criteria: ACMG Guidelines, 2015. Collection method: clinical testing. Allele origin: germline.
Comment: This variant is classified as likely benign based on ACMG/AMP sequence variant interpretation guidelines (Richards et al. 2015 PMID: 25741868, with internal and published modifications).

GeneDx
Classification: Likely benign. Last evaluated: 2017-11-27. Review status: criteria provided, single submitter. Criteria: GeneDx Variant Classification (06012015). Collection method: clinical testing. Allele origin: germline. Affected: yes.
Comment: This variant is considered likely benign or benign based on one or more of the following criteria: it is a conservative change, it occurs at a poorly conserved position in the protein, it is predicted to be benign by multiple in silico algorithms, and/or has population frequency not consistent with disease.

NM_001457.4(FLNB):c.1704G>A (p.Ala568=)

Gene: FLNB (filamin B; plus strand). Cytogenetic location: 3p14.3.
Variant type: single nucleotide variant.
Coding change: c.1704G>A on transcript NM_001457.4 (MANE Select); coding-DNA position 1704, G replaced by A.
Protein change: p.Ala568=; no amino-acid change (alanine 568 retained).
Molecular consequence: synonymous variant.
Genome position (GRCh38, 1-based): chr3:58,105,173, G>A. VCF-style: chr3-58105173-G-A. GRCh37 (hg19) VCF-style: chr3-58090900-G-A.
Other names: c.1704G>A, p.Ala568= (NM_001164317.2, NM_001164318.2, NM_001164319.2).
Identifiers: ClinVar variation 516298 (VCV000516298.12), dbSNP rs139001948, ClinGen allele CA2467904.